The following is an entry in ClinVar:

NM_002184.4(IL6ST):c.2141T>C (p.Phe714Ser)

Gene: IL6ST (interleukin 6 cytokine family signal transducer; minus strand). Cytogenetic location: 5q11.2.
Variant type: single nucleotide variant.
Coding change: c.2141T>C on transcript NM_002184.4 (MANE Select); coding-DNA position 2141, T replaced by C.
Protein change: p.Phe714Ser; replaces phenylalanine 714 with serine.
Molecular consequence: missense variant. On other transcripts: 3 prime UTR variant (1), non-coding transcript variant (2).
Genome position (GRCh38, 1-based): chr5:55,941,698, A>G on the plus strand (T>C on the coding strand, the complement: IL6ST is on the minus strand). VCF-style: chr5-55941698-A-G. GRCh37 (hg19) VCF-style: chr5-55237526-A-G.
Other names: c.1958T>C, p.Phe653Ser (NM_001190981.2); c.2039T>C, p.Phe680Ser (NM_001364275.2); c.1931T>C, p.Phe644Ser (NM_001364276.2); c.1274T>C, p.Phe425Ser (NM_001364277.2); c.1238T>C, p.Phe413Ser (NM_001364278.2); c.1145T>C, p.Phe382Ser (NM_001364279.2); c.*1068T>C (NM_175767.3); short protein forms F413S, F653S, F425S, F680S, F382S, F644S, F714S.
Identifiers: ClinVar variation 4775671 (VCV004775671.1).
Genomic context (GRCh38, chr5:55,941,698, plus strand): 5'-ATGCATGAAGACCCCCCAATACCACTGCTGTGTCCTTCAGTATTAATTTTTTCCTTTTTG[A>G]ACAGGTCCAATGATTTCAGATCTTCTGGAAAAGGCTTTTTGTCATTTGCTTCTATTTCCA-3'
Protein context (NP_002175.2, residues 704-724): FPEDLKSLDL[Phe714Ser]KKEKINTEGH

ClinVar aggregate classification (germline): Uncertain significance (1 of 4 stars; one submission).

gnomAD v4.1: 1 of 1,613,990 alleles (0.000062%); highest among the groups gnomAD compares: Non-Finnish European, 0.000085%; no homozygotes.

Submission:

Labcorp Genetics (formerly Invitae), Labcorp
Classification: Uncertain significance. Last evaluated: 2025-09-25. Review status: criteria provided, single submitter. Criteria: Invitae Variant Classification Sherloc (09022015). Collection method: clinical testing. Allele origin: germline.
Comment: This sequence change replaces phenylalanine, which is neutral and non-polar, with serine, which is neutral and polar, at codon 714 of the IL6ST protein (p.Phe714Ser). This variant is not present in population databases (gnomAD no frequency). This variant has not been reported in the literature in individuals affected with IL6ST-related conditions. An algorithm developed to predict the effect of missense changes on protein structure and function (PolyPhen-2) suggests that this variant is likely to be disruptive. In summary, the available evidence is currently insufficient to determine the role of this variant in disease. Therefore, it has been classified as a Variant of Uncertain Significance.